The following is an entry in ClinVar:

ClinVar aggregate classification (germline): Likely benign. Review status: criteria provided, multiple submitters, no conflicts (2 of 4 stars). 4 submissions from 4 submitters: Likely benign (4). Last evaluated 2026-01-11.

Conditions:
Autosomal recessive limb-girdle muscular dystrophy type 2J (LGMDR10). Also called: Limb-girdle muscular dystrophy, type 2J; MUSCULAR DYSTROPHY, LIMB-GIRDLE, AUTOSOMAL RECESSIVE 10. Identifiers: Orphanet 140922, MedGen C1837342, MONDO:0012127, OMIM 608807.
Dilated cardiomyopathy 1G (CMD1G). Identifiers: Orphanet 154, MedGen C1858763, MONDO:0011400, OMIM 604145.

Allele frequency attached by ClinVar (database versions not stated): TOPMed 0.00002; gnomAD 0.00003; ESP Exome Variant Server 0.00008; ExAC 0.00010.
gnomAD v4.1: 29 of 1,523,402 alleles (0.0019%); highest among the groups gnomAD compares: Admixed American, 0.0041%; no homozygotes.

Submissions (4):

Labcorp Genetics (formerly Invitae), Labcorp
Classification: Likely benign for Dilated cardiomyopathy 1G; Autosomal recessive limb-girdle muscular dystrophy type 2J. Last evaluated: 2026-01-11. Review status: criteria provided, single submitter. Criteria: Invitae Variant Classification Sherloc (09022015). Collection method: clinical testing. Allele origin: germline.

Women's Health and Genetics/Laboratory Corporation of America, LabCorp
Classification: Likely benign. Last evaluated: 2024-12-12. Review status: criteria provided, single submitter. Criteria: LabCorp Variant Classification Summary - May 2015. Collection method: clinical testing. Allele origin: germline.

Blueprint Genetics
Classification: Likely benign. Last evaluated: 2024-07-17. Review status: criteria provided, single submitter. Criteria: ACMG Guidelines, 2015. Collection method: clinical testing. Allele origin: germline.

GeneDx
Classification: Likely benign. Last evaluated: 2017-10-16. Review status: criteria provided, single submitter. Criteria: GeneDx Variant Classification (06012015). Collection method: clinical testing. Allele origin: germline. Affected: yes.
Comment: This variant is considered likely benign or benign based on one or more of the following criteria: it is a conservative change, it occurs at a poorly conserved position in the protein, it is predicted to be benign by multiple in silico algorithms, and/or has population frequency not consistent with disease.

NM_001267550.2(TTN):c.65276-16C>T

Genes: TTN (titin; minus strand), TTN-AS1 (TTN antisense RNA 1; plus strand). Cytogenetic location: 2q31.2.
Variant type: single nucleotide variant.
Coding change: c.65276-16C>T on transcript NM_001267550.2 (MANE Select); 16 bases into the intron before coding-DNA position 65276, C replaced by T.
Molecular consequence: intron variant.
Genome position (GRCh38, 1-based): chr2:178,583,922, G>A on the plus strand (C>T on the coding strand, the complement: TTN is on the minus strand). VCF-style: chr2-178583922-G-A. GRCh37 (hg19) VCF-style: chr2-179448649-G-A.
Other names: c.38081-16C>T (NM_003319.4); c.38657-16C>T (NM_133437.4); c.38456-16C>T (NM_133432.3); c.57572-16C>T (NM_133378.4); c.60353-16C>T (NM_001256850.1).
Identifiers: ClinVar variation 516828 (VCV000516828.13), dbSNP rs370634364, ClinGen allele CA1991735.